The following is an entry in ClinVar:

ClinVar aggregate classification (germline): Uncertain significance. Review status: criteria provided, multiple submitters, no conflicts (2 of 4 stars). 8 submissions from 8 submitters: Uncertain significance (8). Last evaluated 2026-01-07.

Conditions:
Multiple sulfatase deficiency (MSD). Also called: Mucosulfatidosis; Multiple Sulfatase Deficiency Disease; Sulfatidosis, Juvenile, Austin Type. Identifiers: Orphanet 585, MedGen C0268263, MONDO:0010088, OMIM 272200.

Allele frequency attached by ClinVar (database versions not stated): gnomAD exomes 0.00011 and 0.00021; TOPMed 0.00011; gnomAD 0.00013 and 0.00014; ESP Exome Variant Server 0.00015; ExAC 0.00021.
gnomAD v4.1: 180 of 1,613,962 alleles (0.011%); highest among the groups gnomAD compares: Non-Finnish European, 0.012%; no homozygotes.

Submissions (8):

Labcorp Genetics (formerly Invitae), Labcorp
Classification: Uncertain significance for Multiple sulfatase deficiency. Last evaluated: 2026-01-07. Review status: criteria provided, single submitter. Criteria: Invitae Variant Classification Sherloc (09022015). Collection method: clinical testing. Allele origin: germline.
Comment: This sequence change replaces tyrosine, which is neutral and polar, with cysteine, which is neutral and slightly polar, at codon 292 of the SUMF1 protein (p.Tyr292Cys). This variant is present in population databases (rs148841895, gnomAD 0.06%). This variant has not been reported in the literature in individuals affected with SUMF1-related conditions. ClinVar contains an entry for this variant (Variation ID: 493355). Invitae Evidence Modeling of protein sequence and biophysical properties (such as structural, functional, and spatial information, amino acid conservation, physicochemical variation, residue mobility, and thermodynamic stability) indicates that this missense variant is expected to disrupt SUMF1 protein function with a positive predictive value of 95%. In summary, the available evidence is currently insufficient to determine the role of this variant in disease. Therefore, it has been classified as a Variant of Uncertain Significance.

Mayo Clinic Laboratories, Mayo Clinic
Classification: Uncertain significance. Last evaluated: 2023-03-01. Review status: criteria provided, single submitter. Criteria: ACMG Guidelines, 2015. Collection method: clinical testing. Allele origin: germline. Observed: 1 variant allele.
Comment: PP3, PM2

Women's Health and Genetics/Laboratory Corporation of America, LabCorp
Classification: Uncertain significance. Last evaluated: 2022-08-02. Review status: criteria provided, single submitter. Criteria: LabCorp Variant Classification Summary - May 2015. Collection method: clinical testing. Allele origin: germline.

Fulgent Genetics
Classification: Uncertain significance for Multiple sulfatase deficiency. Last evaluated: 2022-04-01. Review status: criteria provided, single submitter. Criteria: ACMG Guidelines, 2015. Collection method: clinical testing. Allele origin: unknown.

Department of Pathology and Laboratory Medicine, Sinai Health System
Classification: Uncertain significance for Multiple sulfatase deficiency. Last evaluated: 2021-09-14. Review status: criteria provided, single submitter. Criteria: ACMG Guidelines, 2015. Collection method: research. Allele origin: germline.

Genome-Nilou Lab
Classification: Uncertain significance for Multiple sulfatase deficiency. Last evaluated: 2021-09-05. Review status: criteria provided, single submitter. Criteria: ACMG Guidelines, 2015. Collection method: clinical testing. Allele origin: germline. Affected: no.

Illumina Laboratory Services, Illumina
Classification: Uncertain significance for Multiple sulfatase deficiency. Last evaluated: 2018-01-12. Review status: criteria provided, single submitter. Criteria: ICSL Variant Classification Criteria 13 December 2019. Collection method: clinical testing. Allele origin: germline.

CeGaT Center for Human Genetics Tuebingen
Classification: Uncertain significance. Last evaluated: 2017-07-01. Review status: criteria provided, single submitter. Criteria: CeGaT Center For Human Genetics Tuebingen Variant Classification Criteria Version 2. Collection method: clinical testing. Allele origin: germline. Affected: yes. Observed: 1 variant allele.

NM_182760.4(SUMF1):c.875A>G (p.Tyr292Cys)

Gene: SUMF1 (sulfatase modifying factor 1; minus strand). Cytogenetic location: 3p26.1.
Variant type: single nucleotide variant.
Coding change: c.875A>G on transcript NM_182760.4 (MANE Select); coding-DNA position 875, A replaced by G.
Protein change: p.Tyr292Cys; replaces tyrosine 292 with cysteine.
Molecular consequence: missense variant.
Genome position (GRCh38, 1-based): chr3:4,410,944, T>C on the plus strand (A>G on the coding strand, the complement: SUMF1 is on the minus strand). VCF-style: chr3-4410944-T-C. GRCh37 (hg19) VCF-style: chr3-4452628-T-C.
Other names: p.Tyr292Cys; c.800A>G, p.Tyr267Cys (NM_001164674.2); c.875A>G, p.Tyr292Cys (NM_001164675.2); short protein forms Y292C, Y267C.
Identifiers: ClinVar variation 493355 (VCV000493355.56), dbSNP rs148841895, ClinGen allele CA2230412.